The following is an entry in ClinVar:

ClinVar aggregate classification (germline): Pathogenic (1 of 4 stars; one submission).

Conditions:
Osteogenesis imperfecta type I (OI1). Also called: Lobstein disease; Classic Non-deforming Osteogenesis Imperfecta with Blue Sclerae; OI, TYPE I; OSTEOGENESIS IMPERFECTA TARDA; OSTEOGENESIS IMPERFECTA WITH BLUE SCLERAE; Osteogenesis imperfecta type 1. Identifiers: Orphanet 216796, Orphanet 666, MedGen C0023931, MONDO:0008146, OMIM 166200. Disease mechanism: loss of function.

Submission:

Labcorp Genetics (formerly Invitae), Labcorp
Classification: Pathogenic for Osteogenesis imperfecta type I. Last evaluated: 2025-07-13. Review status: criteria provided, single submitter. Criteria: Invitae Variant Classification Sherloc (09022015). Collection method: clinical testing. Allele origin: germline.
Comment: This sequence change creates a premature translational stop signal (p.Glu1297*) in the COL1A1 gene. It is expected to result in an absent or disrupted protein product. Loss-of-function variants in COL1A1 are known to be pathogenic (PMID: 7942841, 9295084, 9443882). This variant is not present in population databases (gnomAD no frequency). This variant has not been reported in the literature in individuals affected with COL1A1-related conditions. For these reasons, this variant has been classified as Pathogenic.

Literature cited by the submitters: PubMed 7942841; PubMed 9295084; PubMed 9443882.

NM_000088.4(COL1A1):c.3889G>T (p.Glu1297Ter)

Gene: COL1A1 (collagen type I alpha 1 chain; minus strand). Cytogenetic location: 17q21.33.
Variant type: single nucleotide variant.
Coding change: c.3889G>T on transcript NM_000088.4 (MANE Select); coding-DNA position 3889, G replaced by T.
Protein change: p.Glu1297Ter; replaces glutamic acid 1297 with a stop codon.
Molecular consequence: nonsense.
Genome position (GRCh38, 1-based): chr17:50,186,433, C>A on the plus strand (G>T on the coding strand, the complement: COL1A1 is on the minus strand). VCF-style: chr17-50186433-C-A. GRCh37 (hg19) VCF-style: chr17-48263794-C-A.
Other names: short protein forms E1297*.
Identifiers: ClinVar variation 4721180 (VCV004721180.1).